The following is an entry in ClinVar:

ClinVar aggregate classification (germline): Likely benign (1 of 4 stars; one submission).

Allele frequency attached by ClinVar (database versions not stated): gnomAD 0.00003.
gnomAD v4.1: 35 of 1,207,312 alleles (0.0029%); highest among the groups gnomAD compares: East Asian, 0.092%; no homozygotes.

Submission:

CeGaT Center for Human Genetics Tuebingen
Classification: Likely benign. Last evaluated: 2023-02-01. Review status: criteria provided, single submitter. Criteria: CeGaT Center For Human Genetics Tuebingen Variant Classification Criteria Version 2. Collection method: clinical testing. Allele origin: germline. Affected: yes. Observed: 1 variant allele.
Comment: MXRA5: BP4, BP7, BS2

NM_015419.4(MXRA5):c.936A>G (p.Gln312=)

Gene: MXRA5 (matrix remodeling associated 5; minus strand). Cytogenetic location: Xp22.33.
Variant type: single nucleotide variant.
Coding change: c.936A>G on transcript NM_015419.4 (MANE Select); coding-DNA position 936, A replaced by G.
Protein change: p.Gln312=; no amino-acid change (glutamine 312 retained).
Molecular consequence: synonymous variant.
Genome position (GRCh38, 1-based): chrX:3,324,749, T>C on the plus strand (A>G on the coding strand, the complement: MXRA5 is on the minus strand). VCF-style: chrX-3324749-T-C. GRCh37 (hg19) VCF-style: chrX-3242790-T-C.
Identifiers: ClinVar variation 2659886 (VCV002659886.24), dbSNP rs747951499, ClinGen allele CA10340409.